The following is an entry in ClinVar:

NM_005585.5(SMAD6):c.*5G>A

Gene: SMAD6 (SMAD family member 6; plus strand). Cytogenetic location: 15q22.31.
Variant type: single nucleotide variant.
Coding change: c.*5G>A on transcript NM_005585.5 (MANE Select); 5 bases downstream of the stop codon, G replaced by A.
Molecular consequence: 3 prime UTR variant. On other transcripts: non-coding transcript variant (1).
Genome position (GRCh38, 1-based): chr15:66,781,540, G>A. VCF-style: chr15-66781540-G-A. GRCh37 (hg19) VCF-style: chr15-67073878-G-A.
Identifiers: ClinVar variation 3347095 (VCV003347095.1).

ClinVar aggregate classification (germline): Uncertain significance (0 of 4 stars; one submission).

Conditions:
SMAD6-related disease. Also called: SMAD6-related disorder; SMAD6-related condition. Identifiers: MedGen CN381596, MONDO:0700324.

gnomAD v4.1: 1 of 1,500,930 alleles (0.000067%); highest among the groups gnomAD compares: South Asian, 0.0013%; no homozygotes.

Submission:

PreventionGenetics, part of Exact Sciences
Classification: Uncertain significance for SMAD6-related condition. Last evaluated: 2024-03-27. Review status: no assertion criteria provided. Collection method: clinical testing. Allele origin: germline.
Comment: The SMAD6 c.*5G>A variant is located in the 3' untranslated region. To our knowledge, this variant has not been reported in the literature or in a large population database, indicating this variant is rare. At this time, the clinical significance of this variant is uncertain due to the absence of conclusive functional and genetic evidence.